The following is an entry in ClinVar:

NM_001374353.1(GLI2):c.2005A>T (p.Thr669Ser)

Gene: GLI2 (GLI family zinc finger 2; plus strand). Cytogenetic location: 2q14.2.
Variant type: single nucleotide variant.
Coding change: c.2005A>T on transcript NM_001374353.1 (MANE Select); coding-DNA position 2005, A replaced by T.
Protein change: p.Thr669Ser; replaces threonine 669 with serine.
Molecular consequence: missense variant.
Genome position (GRCh38, 1-based): chr2:120,986,377, A>T. VCF-style: chr2-120986377-A-T. GRCh37 (hg19) VCF-style: chr2-121743953-A-T.
Other names: c.2056A>T, p.Thr686Ser (NM_001371271.1, NM_005270.5); c.1630A>T, p.Thr544Ser (NM_001374354.1); short protein forms T544S, T669S, T686S.
Identifiers: ClinVar variation 1519743 (VCV001519743.13), dbSNP rs750174908, ClinGen allele CA1852108.
Genomic context (GRCh38, chr2:120,986,377, plus strand): 5'-AGCGAGCCCTCTCCTCTGGGCAGTGCCCCCAACAATGACAGTGGCGTGGAGATGCCGGGG[A>T]CGGGGCCCGGGAGCCTGGGAGACCTGACGGCACTGGATGACACACCCCCAGGGGCCGACA-3'
Protein context (NP_001361282.1, residues 659-679): NNDSGVEMPG[Thr669Ser]GPGSLGDLTA

ClinVar aggregate classification (germline): Conflicting classifications of pathogenicity. Review status: criteria provided, conflicting classifications (1 of 4 stars). 3 submissions from 3 submitters: Uncertain significance (1); Likely benign (2). Last evaluated 2026-01-01.

Conditions:
Holoprosencephaly 9 (HPE9). Also called: HOLOPROSENCEPHALY WITH MICROPHTHALMIA AND FIRST BRANCHIAL ARCH ANOMALIES; PITUITARY ANOMALIES WITH HOLOPROSENCEPHALY-LIKE FEATURES. Identifiers: Orphanet 2162, MedGen C1835819, MONDO:0012563, OMIM 610829.
Postaxial polydactyly-anterior pituitary anomalies-facial dysmorphism syndrome. Also called: Culler-Jones syndrome. Identifiers: Orphanet 420584, MedGen C4014479, MONDO:0014369, OMIM 615849.

Allele frequency attached by ClinVar (database versions not stated): gnomAD 0.00002; gnomAD exomes 0.00002; TOPMed 0.00002; ExAC 0.00003.
gnomAD v4.1: 36 of 1,613,372 alleles (0.0022%); highest among the groups gnomAD compares: Non-Finnish European, 0.0029%; no homozygotes.

Submissions (3):

CeGaT Center for Human Genetics Tuebingen
Classification: Likely benign. Last evaluated: 2026-01-01. Review status: criteria provided, single submitter. Criteria: CeGaT Center For Human Genetics Tuebingen Variant Classification Criteria Version 2. Collection method: clinical testing. Allele origin: germline. Affected: yes. Observed: 1 variant allele.
Comment: GLI2: BP4

Labcorp Genetics (formerly Invitae), Labcorp
Classification: Uncertain significance for Postaxial polydactyly-anterior pituitary anomalies-facial dysmorphism syndrome; Holoprosencephaly 9. Last evaluated: 2025-08-11. Review status: criteria provided, single submitter. Criteria: Invitae Variant Classification Sherloc (09022015). Collection method: clinical testing. Allele origin: germline.
Comment: This sequence change replaces threonine, which is neutral and polar, with serine, which is neutral and polar, at codon 686 of the GLI2 protein (p.Thr686Ser). This variant is present in population databases (rs750174908, gnomAD 0.005%). This variant has not been reported in the literature in individuals affected with GLI2-related conditions. ClinVar contains an entry for this variant (Variation ID: 1519743). Invitae Evidence Modeling of protein sequence and biophysical properties (such as structural, functional, and spatial information, amino acid conservation, physicochemical variation, residue mobility, and thermodynamic stability) indicates that this missense variant is not expected to disrupt GLI2 protein function with a negative predictive value of 80%. In summary, the available evidence is currently insufficient to determine the role of this variant in disease. Therefore, it has been classified as a Variant of Uncertain Significance.

Blueprint Genetics
Classification: Likely benign. Last evaluated: 2024-10-16. Review status: criteria provided, single submitter. Criteria: ACMG Guidelines, 2015. Collection method: clinical testing. Allele origin: germline.